The following is an entry in ClinVar:

NM_152713.5(STT3A):c.1078T>C (p.Tyr360His)

Gene: STT3A (STT3 oligosaccharyltransferase complex catalytic subunit A; plus strand). Cytogenetic location: 11q24.2.
Variant type: single nucleotide variant.
Coding change: c.1078T>C on transcript NM_152713.5 (MANE Select); coding-DNA position 1078, T replaced by C.
Protein change: p.Tyr360His; replaces tyrosine 360 with histidine.
Molecular consequence: missense variant.
Genome position (GRCh38, 1-based): chr11:125,609,550, T>C. VCF-style: chr11-125609550-T-C. GRCh37 (hg19) VCF-style: chr11-125479445-T-C.
Other names: c.1078T>C, p.Tyr360His (NM_001278503.2); c.802T>C, p.Tyr268His (NM_001278504.2); short protein forms Y268H, Y360H.
Identifiers: ClinVar variation 5009887 (VCV005009887.1).

ClinVar aggregate classification (germline): Uncertain significance (1 of 4 stars; one submission).

Submission:

GeneDx
Classification: Uncertain significance. Last evaluated: 2026-02-26. Review status: criteria provided, single submitter. Criteria: GeneDx Variant Classification Process June 2021. Collection method: clinical testing. Allele origin: germline.
Comment: Not observed at significant frequency in large population cohorts (gnomAD); In silico analysis supports that this missense variant has a deleterious effect on protein structure/function; Has not been previously published as pathogenic or benign to our knowledge.